The following is an entry in ClinVar:

ClinVar aggregate classification (germline): Uncertain significance. Review status: criteria provided, multiple submitters, no conflicts (2 of 4 stars). 2 submissions from 2 submitters: Uncertain significance (2). Last evaluated 2025-07-21.

Conditions:
Long QT syndrome (LQTS). Identifiers: MedGen C0023976, MeSH D008133, MONDO:0002442. Disease mechanism: loss of function. Inheritance: Various modes of inheritance.
Cardiovascular phenotype. Identifiers: MedGen CN230736.

gnomAD v4.1: 1 of 1,442,860 alleles (0.000069%); highest among the groups gnomAD compares: Non-Finnish European, 0.000091%; no homozygotes.

Submissions (2):

Labcorp Genetics (formerly Invitae), Labcorp
Classification: Uncertain significance for Long QT syndrome. Last evaluated: 2025-07-21. Review status: criteria provided, single submitter. Criteria: Invitae Variant Classification Sherloc (09022015). Collection method: clinical testing. Allele origin: germline.
Comment: This sequence change replaces glycine, which is neutral and non-polar, with cysteine, which is neutral and slightly polar, at codon 238 of the KCNH2 protein (p.Gly238Cys). This variant is not present in population databases (gnomAD no frequency). This variant has not been reported in the literature in individuals affected with KCNH2-related conditions. ClinVar contains an entry for this variant (Variation ID: 1514209). An algorithm developed to predict the effect of missense changes on protein structure and function (PolyPhen-2) suggests that this variant is likely to be tolerated. In summary, the available evidence is currently insufficient to determine the role of this variant in disease. Therefore, it has been classified as a Variant of Uncertain Significance.

Ambry Genetics
Classification: Uncertain significance for Cardiovascular phenotype. Last evaluated: 2020-12-04. Review status: criteria provided, single submitter. Criteria: Ambry Variant Classification Scheme 2023. Collection method: clinical testing. Allele origin: germline.
Comment: The p.G238C variant (also known as c.712G>T), located in coding exon 4 of the KCNH2 gene, results from a G to T substitution at nucleotide position 712. The glycine at codon 238 is replaced by cysteine, an amino acid with highly dissimilar properties, and is located in the cytoplasmic N-terminal region. This amino acid position is not well conserved in available vertebrate species, and cysteine is the reference amino acid in other vertebrate species. In addition, the in silico prediction for this alteration is inconclusive. Since supporting evidence is limited at this time, the clinical significance of this alteration remains unclear.

NM_000238.4(KCNH2):c.712G>T (p.Gly238Cys)

Gene: KCNH2 (potassium voltage-gated channel subfamily H member 2; minus strand). Cytogenetic location: 7q36.1.
Variant type: single nucleotide variant.
Coding change: c.712G>T on transcript NM_000238.4 (MANE Select); coding-DNA position 712, G replaced by T.
Protein change: p.Gly238Cys; replaces glycine 238 with cysteine.
Molecular consequence: missense variant.
Genome position (GRCh38, 1-based): chr7:150,958,263, C>A on the plus strand (G>T on the coding strand, the complement: KCNH2 is on the minus strand). VCF-style: chr7-150958263-C-A. GRCh37 (hg19) VCF-style: chr7-150655351-C-A.
Other names: c.424G>T, p.Gly142Cys (NM_001406753.1, NM_001406756.1); c.535G>T, p.Gly179Cys (NM_001406755.1); c.412G>T, p.Gly138Cys (NM_001406757.1); c.712G>T, p.Gly238Cys (NM_172056.3); short protein forms G238C, G179C, G142C, G138C.
Identifiers: ClinVar variation 1514209 (VCV001514209.11), dbSNP rs199473501, ClinGen allele CA369862746.
Genomic context (GRCh38, chr7:150,958,263, plus strand): 5'-GGTTGAGGCTGTGCGCCCGGGGCGATGGGAGCTGGCCGGGCGCGCTGCGGGGCGGAGAGC[C>A]GGGACCCACCAGCGCACGCCGCTCCTCCGCGGGCCCGAGCCCTGCCACGTGGTTGTCCAT-3'
Protein context (NP_000229.1, residues 228-248): AEERRALVGP[Gly238Cys]SPPRSAPGQL